The following is an entry in ClinVar:

NM_001042475.3(CEP85L):c.1871_1874del (p.Asp624fs)

Gene: CEP85L (centrosomal protein 85L; minus strand). Cytogenetic location: 6q22.31.
Variant type: Deletion.
Coding change: c.1871_1874del on transcript NM_001042475.3 (MANE Select); coding-DNA positions 1871 to 1874, 4 bases deleted (ACAG; older notation c.1871_1874delACAG).
Protein change: p.Asp624fs; shifts the reading frame from aspartic acid 624.
Molecular consequence: frameshift variant.
Genome position (GRCh38, 1-based): chr6:118,479,911-118,479,914, CTGT deleted on the plus strand (ACAG on the coding strand, the reverse complement: CEP85L is on the minus strand); deleting any 4 consecutive bases within chr6:118,479,911-118,479,916 gives the same sequence; the c. name uses the placement nearest the transcript's 3' end. VCF-style (leftmost placement, unchanged base first): chr6-118479910-GCTGT-G. GRCh37 (hg19) VCF-style: chr6-118801073-GCTGT-G.
Other names: c.1880_1883del, p.Asp627fs (NM_001178035.2); c.1871_1874delACAG (NM_001042475.2); c.1871_1874del (NM_001042475.2); short protein forms D624fs, D627fs.
Identifiers: ClinVar variation 2439917 (VCV002439917.5), dbSNP rs755513985, ClinGen allele CA3977684.

ClinVar aggregate classification (germline): Uncertain significance. Review status: criteria provided, multiple submitters, no conflicts (2 of 4 stars). 4 submissions from 4 submitters: Uncertain significance (4). Last evaluated 2025-08-07.

Conditions:
Inborn genetic diseases. Identifiers: MedGen C0950123, MeSH D030342.
Lissencephaly 10. Identifiers: MedGen C5394354, MONDO:0030031, OMIM 618873.

Submissions (4):

GeneDx
Classification: Uncertain significance. Last evaluated: 2025-08-07. Review status: criteria provided, single submitter. Criteria: GeneDx Variant Classification Process June 2021. Collection method: clinical testing. Allele origin: germline. Affected: yes.
Comment: Frameshift variant predicted to result in protein truncation or nonsense mediated decay in a gene or region of a gene for which loss of function is not a well-established mechanism of disease; Has not been previously published as pathogenic or benign to our knowledge

Ambry Genetics
Classification: Uncertain significance for Inborn genetic diseases. Last evaluated: 2024-12-24. Review status: criteria provided, single submitter. Criteria: Ambry Variant Classification Scheme 2023. Collection method: clinical testing. Allele origin: germline.
Comment: Loss of function has not been established as a mechanism of disease Based on insufficient or conflicting evidence, the clinical significance of this alteration remains unclear.

Department of Pathology and Laboratory Medicine, Sinai Health System
Classification: Uncertain significance for lissencephaly 10. Last evaluated: 2023-12-15. Review status: criteria provided, single submitter. Criteria: ACMG Guidelines, 2015. Collection method: research. Allele origin: germline.

Revvity Omics, Revvity
Classification: Uncertain significance for Lissencephaly 10. Last evaluated: 2021-11-22. Review status: criteria provided, single submitter. Criteria: ACMG Guidelines, 2015. Collection method: clinical testing. Allele origin: germline.